The following is an entry in ClinVar:

NM_198253.3(TERT):c.2554A>G (p.Lys852Glu)

Gene: TERT (telomerase reverse transcriptase; minus strand). Cytogenetic location: 5p15.33.
Variant type: single nucleotide variant.
Coding change: c.2554A>G on transcript NM_198253.3 (MANE Select); coding-DNA position 2554, A replaced by G.
Protein change: p.Lys852Glu; replaces lysine 852 with glutamic acid.
Molecular consequence: missense variant. On other transcripts: non-coding transcript variant (2).
Genome position (GRCh38, 1-based): chr5:1,268,548, T>C on the plus strand (A>G on the coding strand, the complement: TERT is on the minus strand). VCF-style: chr5-1268548-T-C. GRCh37 (hg19) VCF-style: chr5-1268663-T-C.
Other names: c.2554A>G, p.Lys852Glu (NM_001193376.3); short protein forms K852E.
Identifiers: ClinVar variation 3455185 (VCV003455185.1).

ClinVar aggregate classification (germline): Uncertain significance (1 of 4 stars; one submission).

Conditions:
Dyskeratosis congenita. Identifiers: Orphanet 1775, MedGen C0265965, MONDO:0015780.

Submission:

Ambry Genetics
Classification: Uncertain significance for Dyskeratosis congenita. Last evaluated: 2024-09-04. Review status: criteria provided, single submitter. Criteria: Ambry Variant Classification Scheme 2023. Collection method: clinical testing. Allele origin: germline.
Comment: The p.K852E variant (also known as c.2554A>G), located in coding exon 9 of the TERT gene, results from an A to G substitution at nucleotide position 2554. The lysine at codon 852 is replaced by glutamic acid, an amino acid with similar properties. This amino acid position is conserved. In addition, the in silico prediction for this alteration is inconclusive. Based on the available evidence, the clinical significance of this variant remains unclear.